The following is an entry in ClinVar:

ClinVar aggregate classification (germline): Uncertain significance (1 of 4 stars; one submission).

Submission:

Labcorp Genetics (formerly Invitae), Labcorp
Classification: Uncertain significance. Last evaluated: 2022-11-29. Review status: criteria provided, single submitter. Criteria: Invitae Variant Classification Sherloc (09022015). Collection method: clinical testing. Allele origin: germline.
Comment: This variant has not been reported in the literature in individuals affected with RPSA-related conditions. This variant is not present in population databases (gnomAD no frequency). This sequence change replaces serine, which is neutral and polar, with cysteine, which is neutral and slightly polar, at codon 190 of the RPSA protein (p.Ser190Cys). Advanced modeling of protein sequence and biophysical properties (such as structural, functional, and spatial information, amino acid conservation, physicochemical variation, residue mobility, and thermodynamic stability) performed at Invitae indicates that this missense variant is expected to disrupt RPSA protein function. In summary, the available evidence is currently insufficient to determine the role of this variant in disease. Therefore, it has been classified as a Variant of Uncertain Significance.

NM_002295.6(RPSA):c.569C>G (p.Ser190Cys)

Gene: RPSA (ribosomal protein SA; plus strand). Cytogenetic location: 3p22.1.
Variant type: single nucleotide variant.
Coding change: c.569C>G on transcript NM_002295.6 (MANE Select); coding-DNA position 569, C replaced by G.
Protein change: p.Ser190Cys; replaces serine 190 with cysteine.
Molecular consequence: missense variant.
Genome position (GRCh38, 1-based): chr3:39,411,719, C>G. VCF-style: chr3-39411719-C-G. GRCh37 (hg19) VCF-style: chr3-39453210-C-G.
Other names: c.569C>G, p.Ser190Cys (NM_001012321.1); c.584C>G, p.Ser195Cys (NM_001304288.2); short protein forms S195C, S190C.
Identifiers: ClinVar variation 2817376 (VCV002817376.3), dbSNP rs1575258529, ClinGen allele CA352213887.